The following is an entry in ClinVar:

NM_004380.3(CREBBP):c.1847C>G (p.Pro616Arg)

Gene: CREBBP (CREB binding lysine acetyltransferase; minus strand). Cytogenetic location: 16p13.3.
Variant type: single nucleotide variant.
Coding change: c.1847C>G on transcript NM_004380.3 (MANE Select); coding-DNA position 1847, C replaced by G.
Protein change: p.Pro616Arg; replaces proline 616 with arginine.
Molecular consequence: missense variant.
Genome position (GRCh38, 1-based): chr16:3,778,794, G>C on the plus strand (C>G on the coding strand, the complement: CREBBP is on the minus strand). VCF-style: chr16-3778794-G-C. GRCh37 (hg19) VCF-style: chr16-3828795-G-C.
Other names: c.1733C>G, p.Pro578Arg (NM_001079846.1); short protein forms P578R, P616R.
Identifiers: ClinVar variation 4998710 (VCV004998710.1).

ClinVar aggregate classification (germline): Uncertain significance (1 of 4 stars; one submission).

Conditions:
CREBBP-related disorder. Also called: CREBBP-related condition; CREBBP-related disorders.

Submission:

PreventionGenetics, part of Exact Sciences
Classification: Uncertain significance for CREBBP-related condition. Last evaluated: 2025-02-19. Review status: criteria provided, single submitter. Criteria: ACMG Guidelines, 2015. Collection method: clinical testing. Allele origin: germline.
Comment: The CREBBP c.1847C>G variant is predicted to result in the amino acid substitution p.Pro616Arg. To our knowledge, this variant has not been reported in the literature or in a large population database (gnomAD), indicating this variant is rare. At this time, the clinical significance of this variant is uncertain due to the absence of conclusive functional and genetic evidence.